The following is an entry in ClinVar:

ClinVar aggregate classification (germline): Uncertain significance. Review status: criteria provided, multiple submitters, no conflicts (2 of 4 stars). 2 submissions from 2 submitters: Uncertain significance (2). Last evaluated 2026-02-04.

Conditions:
Hereditary cancer-predisposing syndrome. Also called: Hereditary neoplastic syndrome; Tumor predisposition; Hereditary Cancer Syndrome; Neoplastic Syndromes, Hereditary. Identifiers: Orphanet 140162, MedGen C0027672, MeSH D009386, MONDO:0015356.
POLD1-related polyposis and colorectal cancer syndrome (CRCS10). Also called: Colorectal cancer, susceptibility to, 10; Colorectal cancer 10; COLORECTAL CANCER, SUSCEPTIBILITY TO, ON CHROMOSOME 19q. Identifiers: Orphanet 220460, MedGen C2675481, MONDO:0012953, OMIM 612591.

Allele frequency attached by ClinVar (database versions not stated): gnomAD exomes below 0.00001.
gnomAD v4.1: 1 of 1,613,818 alleles (0.000062%); highest among the groups gnomAD compares: Non-Finnish European, 0.000085%; no homozygotes.

Submissions (2):

Labcorp Genetics (formerly Invitae), Labcorp
Classification: Uncertain significance for POLD1-related polyposis and colorectal cancer syndrome. Last evaluated: 2026-02-04. Review status: criteria provided, single submitter. Criteria: Invitae Variant Classification Sherloc (09022015). Collection method: clinical testing. Allele origin: germline.
Comment: This sequence change replaces proline, which is neutral and non-polar, with serine, which is neutral and polar, at codon 519 of the POLD1 protein (p.Pro519Ser). This variant is not present in population databases (gnomAD no frequency). This variant has not been reported in the literature in individuals affected with POLD1-related conditions. ClinVar contains an entry for this variant (Variation ID: 666052). Invitae Evidence Modeling of protein sequence and biophysical properties (such as structural, functional, and spatial information, amino acid conservation, physicochemical variation, residue mobility, and thermodynamic stability) indicates that this missense variant is expected to disrupt POLD1 protein function with a positive predictive value of 80%. In summary, the available evidence is currently insufficient to determine the role of this variant in disease. Therefore, it has been classified as a Variant of Uncertain Significance.

Ambry Genetics
Classification: Uncertain significance for Hereditary cancer-predisposing syndrome. Last evaluated: 2025-06-02. Review status: criteria provided, single submitter. Criteria: Ambry Variant Classification Scheme 2023. Collection method: clinical testing. Allele origin: germline.
Comment: The p.P519S variant (also known as c.1555C>T), located in coding exon 12 of the POLD1 gene, results from a C to T substitution at nucleotide position 1555. The proline at codon 519 is replaced by serine, an amino acid with similar properties. This amino acid position is conserved. In addition, the in silico prediction for this alteration is inconclusive. Since supporting evidence is limited at this time, the clinical significance of this alteration remains unclear.

NM_002691.4(POLD1):c.1555C>T (p.Pro519Ser)

Gene: POLD1 (DNA polymerase delta 1, catalytic subunit; plus strand). Cytogenetic location: 19q13.33.
Variant type: single nucleotide variant.
Coding change: c.1555C>T on transcript NM_002691.4 (MANE Select); coding-DNA position 1555, C replaced by T.
Protein change: p.Pro519Ser; replaces proline 519 with serine.
Molecular consequence: missense variant. On other transcripts: non-coding transcript variant (1).
Genome position (GRCh38, 1-based): chr19:50,407,043, C>T. VCF-style: chr19-50407043-C-T. GRCh37 (hg19) VCF-style: chr19-50910300-C-T.
Other names: c.1555C>T, p.Pro519Ser (NM_001256849.1, NM_001308632.1); c.1555C>T (NM_002691.2); short protein forms P519S.
Identifiers: ClinVar variation 666052 (VCV000666052.9), dbSNP rs1601219285, ClinGen allele CA406980862.